The following is an entry in ClinVar:

NM_031844.3(HNRNPU):c.601C>T (p.Pro201Ser)

Gene: HNRNPU (heterogeneous nuclear ribonucleoprotein U; minus strand). Cytogenetic location: 1q44.
Variant type: single nucleotide variant.
Coding change: c.601C>T on transcript NM_031844.3 (MANE Select); coding-DNA position 601, C replaced by T.
Protein change: p.Pro201Ser; replaces proline 201 with serine.
Molecular consequence: missense variant.
Genome position (GRCh38, 1-based): chr1:244,863,707, G>A on the plus strand (C>T on the coding strand, the complement: HNRNPU is on the minus strand). VCF-style: chr1-244863707-G-A. GRCh37 (hg19) VCF-style: chr1-245027009-G-A.
Other names: c.601C>T, p.Pro201Ser (NM_004501.3); short protein forms P201S.
Identifiers: ClinVar variation 998712 (VCV000998712.9), dbSNP rs985639804, ClinGen allele CA40505032.
Genomic context (GRCh38, chr1:244,863,707, plus strand): 5'-CTCCGCCGCCTTCCGCCTTCTTCTTACCTCCCGCCTGCTGCTGGCCCTGCCTCGCCCCGG[G>A]CGGCGCCACCGTCACCGCGAACAGCGAGGTGGGGCCGCTGCTCTTCCCCGCGGCCTCCTT-3'
Protein context (NP_114032.2, residues 191-211): TSLFAVTVAP[Pro201Ser]GARQGQQQAG

ClinVar aggregate classification (germline): Uncertain significance (1 of 4 stars; one submission).

Conditions:
Developmental and epileptic encephalopathy, 54. Also called: Epileptic encephalopathy, early infantile, 54; HNRNPU-Related Neurodevelopmental Disorder. Identifiers: MedGen C4479319, MONDO:0033363, OMIM 617391.

Allele frequency attached by ClinVar (database versions not stated): TOPMed 0.00002.

Submission:

Labcorp Genetics (formerly Invitae), Labcorp
Classification: Uncertain significance for Developmental and epileptic encephalopathy, 54. Last evaluated: 2024-05-23. Review status: criteria provided, single submitter. Criteria: Invitae Variant Classification Sherloc (09022015). Collection method: clinical testing. Allele origin: germline.
Comment: This sequence change replaces proline, which is neutral and non-polar, with serine, which is neutral and polar, at codon 201 of the HNRNPU protein (p.Pro201Ser). This variant is not present in population databases (gnomAD no frequency). This variant has not been reported in the literature in individuals affected with HNRNPU-related conditions. ClinVar contains an entry for this variant (Variation ID: 998712). Advanced modeling of protein sequence and biophysical properties (such as structural, functional, and spatial information, amino acid conservation, physicochemical variation, residue mobility, and thermodynamic stability) performed at Invitae indicates that this missense variant is not expected to disrupt HNRNPU protein function with a negative predictive value of 80%. In summary, the available evidence is currently insufficient to determine the role of this variant in disease. Therefore, it has been classified as a Variant of Uncertain Significance.